The following is an entry in ClinVar:

NM_001194998.2(CEP152):c.590C>T (p.Pro197Leu)

Gene: CEP152 (centrosomal protein 152; minus strand). Cytogenetic location: 15q21.1.
Variant type: single nucleotide variant.
Coding change: c.590C>T on transcript NM_001194998.2 (MANE Select); coding-DNA position 590, C replaced by T.
Protein change: p.Pro197Leu; replaces proline 197 with leucine.
Molecular consequence: missense variant.
Genome position (GRCh38, 1-based): chr15:48,796,111, G>A on the plus strand (C>T on the coding strand, the complement: CEP152 is on the minus strand). VCF-style: chr15-48796111-G-A. GRCh37 (hg19) VCF-style: chr15-49088308-G-A.
Other names: c.590C>T, p.Pro197Leu (NM_014985.4); c.590C>T (NM_014985.3); short protein forms P197L.
Identifiers: ClinVar variation 2029862 (VCV002029862.2), dbSNP rs772331237, ClinGen allele CA7549086.

ClinVar aggregate classification (germline): Uncertain significance. Review status: criteria provided, multiple submitters, no conflicts (2 of 4 stars). 2 submissions from 2 submitters: Uncertain significance (2). Last evaluated 2024-05-20.

Conditions:
Inborn genetic diseases. Identifiers: MedGen C0950123, MeSH D030342.

Allele frequency attached by ClinVar (database versions not stated): gnomAD 0.00001; TOPMed 0.00002; ExAC 0.00003.
gnomAD v4.1: 14 of 1,613,694 alleles (0.00087%); highest among the groups gnomAD compares: East Asian, 0.031%; no homozygotes.

Submissions (2):

Ambry Genetics
Classification: Uncertain significance for Inborn genetic diseases. Last evaluated: 2024-05-20. Review status: criteria provided, single submitter. Criteria: Ambry Variant Classification Scheme 2023. Collection method: clinical testing. Allele origin: germline.

Labcorp Genetics (formerly Invitae), Labcorp
Classification: Uncertain significance. Last evaluated: 2021-12-03. Review status: criteria provided, single submitter. Criteria: Invitae Variant Classification Sherloc (09022015). Collection method: clinical testing. Allele origin: germline.
Comment: This sequence change replaces proline, which is neutral and non-polar, with leucine, which is neutral and non-polar, at codon 197 of the CEP152 protein (p.Pro197Leu). The frequency data for this variant in the population databases is considered unreliable, as metrics indicate poor data quality at this position in the gnomAD database. This variant has not been reported in the literature in individuals affected with CEP152-related conditions. Algorithms developed to predict the effect of missense changes on protein structure and function (SIFT, PolyPhen-2, Align-GVGD) all suggest that this variant is likely to be disruptive. In summary, the available evidence is currently insufficient to determine the role of this variant in disease. Therefore, it has been classified as a Variant of Uncertain Significance.